The following is an entry in ClinVar:

NM_001270.4(CHD1):c.666AGA[1] (p.Glu223del)

Gene: CHD1 (chromodomain helicase DNA binding protein 1; minus strand). Cytogenetic location: 5q21.1.
Variant type: Microsatellite.
Coding change: c.666AGA[1] on transcript NM_001270.4 (MANE Select); one copy of the 3-base unit AGA starting at c.666; the reference has two copies in a row; one copy, 3 bases deleted.
Protein change: p.Glu223del; deletes glutamic acid 223.
Molecular consequence: inframe deletion. On other transcripts: non-coding transcript variant (2).
Genome position (GRCh38, 1-based): chr5:98,900,999-98,901,001, TCT deleted on the plus strand (AGA on the coding strand, the reverse complement: CHD1 is on the minus strand); deleting any 3 consecutive bases within chr5:98,900,999-98,901,006 gives the same sequence; the position shown is the placement nearest the transcript's 3' end. VCF-style (leftmost placement, unchanged base first): chr5-98900998-ATCT-A. GRCh37 (hg19) VCF-style: chr5-98236702-ATCT-A.
Other names: c.666AGA[1], p.Glu223del (NM_001364113.3, NM_001376194.2); short protein forms E223del.
Identifiers: ClinVar variation 2576170 (VCV002576170.24), dbSNP rs761944491, ClinGen allele CA3356504.

ClinVar aggregate classification (germline): Conflicting classifications of pathogenicity. Review status: criteria provided, conflicting classifications (1 of 4 stars). 2 submissions from 2 submitters: Uncertain significance (1); Likely benign (1). Last evaluated 2024-04-01.

Submissions (2):

CeGaT Center for Human Genetics Tuebingen
Classification: Likely benign. Last evaluated: 2024-04-01. Review status: criteria provided, single submitter. Criteria: CeGaT Center For Human Genetics Tuebingen Variant Classification Criteria Version 2. Collection method: clinical testing. Allele origin: germline. Affected: yes. Observed: 2 variant alleles.
Comment: CHD1: PM4:Supporting, BS2

Institute for Clinical Genetics, University Hospital TU Dresden, University Hospital TU Dresden
Classification: Uncertain significance. Last evaluated: 2023-07-04. Review status: criteria provided, single submitter. Criteria: ACMG Guidelines, 2015. Collection method: clinical testing. Allele origin: maternal.
Comment: PM4, PM2_SUP